The following is an entry in ClinVar:

ClinVar aggregate classification (germline): Uncertain significance (1 of 4 stars; one submission).

Conditions:
Ellis-van Creveld syndrome (EVC). Also called: EVC-Related Ellis-van Creveld Syndrome; EVC2-Related Ellis-van Creveld Syndrome; Chondroectodermal dysplasia; MESOECTODERMAL DYSPLASIA. Identifiers: Orphanet 289, MedGen C0013903, MONDO:0009162, OMIM 225500.
Curry-Hall syndrome (WAD). Also called: WEYERS ACRODENTAL DYSOSTOSIS. Identifiers: Orphanet 952, MedGen C0457013, MONDO:0008673, OMIM 193530.

Allele frequency attached by ClinVar (database versions not stated): gnomAD 0.00002; 1000 Genomes Project 30x 0.00016; 1000 Genomes Project 0.00020.
gnomAD v4.1: 15 of 1,573,114 alleles (0.00095%); highest among the groups gnomAD compares: East Asian, 0.014%; no homozygotes.

Submission:

Labcorp Genetics (formerly Invitae), Labcorp
Classification: Uncertain significance for Curry-Hall syndrome; Ellis-van Creveld syndrome. Last evaluated: 2024-09-16. Review status: criteria provided, single submitter. Criteria: Invitae Variant Classification Sherloc (09022015). Collection method: clinical testing. Allele origin: germline.
Comment: This sequence change replaces alanine, which is neutral and non-polar, with valine, which is neutral and non-polar, at codon 1177 of the EVC2 protein (p.Ala1177Val). The frequency data for this variant in the population databases is considered unreliable, as metrics indicate poor data quality at this position in the gnomAD database. This variant has not been reported in the literature in individuals affected with EVC2-related conditions. ClinVar contains an entry for this variant (Variation ID: 2163013). An algorithm developed to predict the effect of missense changes on protein structure and function (PolyPhen-2) suggests that this variant is likely to be tolerated. In summary, the available evidence is currently insufficient to determine the role of this variant in disease. Therefore, it has been classified as a Variant of Uncertain Significance.

NM_147127.5(EVC2):c.3530C>T (p.Ala1177Val)

Gene: EVC2 (EvC ciliary complex subunit 2; minus strand). Cytogenetic location: 4p16.2.
Variant type: single nucleotide variant.
Coding change: c.3530C>T on transcript NM_147127.5 (MANE Select); coding-DNA position 3530, C replaced by T.
Protein change: p.Ala1177Val; replaces alanine 1177 with valine.
Molecular consequence: missense variant.
Genome position (GRCh38, 1-based): chr4:5,568,471, G>A on the plus strand (C>T on the coding strand, the complement: EVC2 is on the minus strand). VCF-style: chr4-5568471-G-A. GRCh37 (hg19) VCF-style: chr4-5570198-G-A.
Other names: c.3290C>T, p.Ala1097Val (NM_001166136.2); short protein forms A1177V, A1097V.
Identifiers: ClinVar variation 2163013 (VCV002163013.3), dbSNP rs544632500, ClinGen allele CA2834287.